The following is an entry in ClinVar:

ClinVar aggregate classification (germline): Conflicting classifications of pathogenicity. Review status: criteria provided, conflicting classifications (1 of 4 stars). 6 submissions from 6 submitters: Uncertain significance (5); Likely benign (1). Last evaluated 2025-11-07.

Conditions:
Inborn genetic diseases. Identifiers: MedGen C0950123, MeSH D030342.
WFS1-related disorder. Identifiers: MedGen CN379391, MONDO:0700293.
Wolfram-like syndrome. Also called: HEARING LOSS, PROGRESSIVE, WITH OPTIC ATROPHY AND/OR IMPAIRED GLUCOSE REGULATION. Identifiers: Orphanet 411590, MedGen C3280358, MONDO:0013673, OMIM 614296.
Wolfram syndrome 1 (WFS1). Identifiers: Orphanet 3463, MedGen C4551693, MONDO:0009101, OMIM 222300.
Cataract 41 (CTRCT41). Also called: CATARACT 41, CONGENITAL NUCLEAR TYPE. Identifiers: Orphanet 91492, Orphanet 98991, Orphanet 98992, Orphanet 98995, MedGen C3805412, MONDO:0007287, OMIM 116400.
Autosomal dominant nonsyndromic hearing loss 6 (LFSNHL). Also called: DEAFNESS, AUTOSOMAL DOMINANT 6; DEAFNESS, AUTOSOMAL DOMINANT 14; DEAFNESS, AUTOSOMAL DOMINANT 38; Autosomal dominant nonsyndromic deafness 6. Identifiers: Orphanet 90635, MedGen C1833021, MONDO:0010963, OMIM 600965.
Type 2 diabetes mellitus. Also called: Type II diabetes mellitus. Identifiers: MedGen C0011860, MeSH D003924, MONDO:0005148, OMIM 125853, HP:0005978.

Allele frequency attached by ClinVar (database versions not stated): ESP Exome Variant Server 0.00008; gnomAD 0.00015 and 0.00016; 1000 Genomes Project 30x 0.00016; TOPMed 0.00017; 1000 Genomes Project 0.00020.
gnomAD v4.1: 53 of 1,612,804 alleles (0.0033%); highest among the groups gnomAD compares: African/African-American, 0.041%; no homozygotes.

Submissions (6):

PreventionGenetics, part of Exact Sciences
Classification: Uncertain significance for WFS1-related condition. Last evaluated: 2025-11-07. Review status: criteria provided, single submitter. Criteria: ACMG Guidelines, 2015. Collection method: clinical testing. Allele origin: germline.
Comment: The WFS1 c.2365G>A variant is predicted to result in the amino acid substitution p.Gly789Ser. To our knowledge, this variant has not been reported in the literature. This variant is reported in 0.046% of alleles in individuals of African descent in gnomAD. At this time, the clinical significance of this variant is uncertain due to the absence of conclusive functional and genetic evidence.

Labcorp Genetics (formerly Invitae), Labcorp
Classification: Uncertain significance. Last evaluated: 2025-08-30. Review status: criteria provided, single submitter. Criteria: Invitae Variant Classification Sherloc (09022015). Collection method: clinical testing. Allele origin: germline.
Comment: This sequence change replaces glycine, which is neutral and non-polar, with serine, which is neutral and polar, at codon 789 of the WFS1 protein (p.Gly789Ser). This variant is present in population databases (rs376974936, gnomAD 0.05%). This variant has not been reported in the literature in individuals affected with WFS1-related conditions. ClinVar contains an entry for this variant (Variation ID: 1419650). Invitae Evidence Modeling of protein sequence and biophysical properties (such as structural, functional, and spatial information, amino acid conservation, physicochemical variation, residue mobility, and thermodynamic stability) indicates that this missense variant is not expected to disrupt WFS1 protein function with a negative predictive value of 95%. In summary, the available evidence is currently insufficient to determine the role of this variant in disease. Therefore, it has been classified as a Variant of Uncertain Significance.

GeneDx
Classification: Uncertain significance. Last evaluated: 2025-06-10. Review status: criteria provided, single submitter. Criteria: GeneDx Variant Classification Process June 2021. Collection method: clinical testing. Allele origin: germline. Affected: yes.
Comment: In silico analysis suggests that this missense variant does not alter protein structure/function; Has not been previously published as pathogenic or benign to our knowledge

Clinical Genomics Laboratory, Washington University in St. Louis
Classification: Uncertain significance for Wolfram-like syndrome. Last evaluated: 2024-09-10. Review status: criteria provided, single submitter. Criteria: ACMG Guidelines, 2015. Collection method: clinical testing. Allele origin: germline.
Comment: A WFS1 c.2365G>A (p.Gly789Ser) variant was identified in a heterozygous state. This variant, to our knowledge, has not been reported in the medical literature. It is observed on 14/275,116 alleles in the general population (gnomAD v.2.1.1). Computational predictors are uncertain as to the impact of this variant on WFS1 function. Due to limited information, and based on ACMG/AMP guidelines for variant interpretation (Richards S et al., PMID: 25741868), the clinical significance of this variant is uncertain at this time.

Fulgent Genetics
Classification: Uncertain significance for Cataract 41; Type 2 diabetes mellitus; Wolfram syndrome 1; Autosomal dominant nonsyndromic hearing loss 6; Wolfram-like syndrome. Last evaluated: 2024-05-31. Review status: criteria provided, single submitter. Criteria: ACMG Guidelines, 2015. Collection method: clinical testing. Allele origin: germline.

Ambry Genetics
Classification: Likely benign for Inborn genetic diseases. Last evaluated: 2022-12-02. Review status: criteria provided, single submitter. Criteria: Ambry Variant Classification Scheme 2023. Collection method: clinical testing. Allele origin: germline.

NM_006005.3(WFS1):c.2365G>A (p.Gly789Ser)

Gene: WFS1 (wolframin ER transmembrane glycoprotein; plus strand). Cytogenetic location: 4p16.1.
Variant type: single nucleotide variant.
Coding change: c.2365G>A on transcript NM_006005.3 (MANE Select); coding-DNA position 2365, G replaced by A.
Protein change: p.Gly789Ser; replaces glycine 789 with serine.
Molecular consequence: missense variant.
Genome position (GRCh38, 1-based): chr4:6,302,160, G>A. VCF-style: chr4-6302160-G-A. GRCh37 (hg19) VCF-style: chr4-6303887-G-A.
Other names: c.2365G>A, p.Gly789Ser (NM_001145853.1); short protein forms G789S.
Identifiers: ClinVar variation 1419650 (VCV001419650.12), dbSNP rs376974936, ClinGen allele CA2839702.
Genomic context (GRCh38, chr4:6,302,160, plus strand): 5'-AAGTTCGACCGCTACAAGTTTGAGATTACCGTGGGCATGCCATTCAGCAGCGGCGCTGAC[G>A]GCTCGCGCAGCCGCGAGGAGGACGACGTCACCAAGGACATCGTGCTGCGGGCCAGCAGCG-3'
Protein context (NP_005996.2, residues 779-799): VGMPFSSGAD[Gly789Ser]SRSREEDDVT